The following is an entry in ClinVar:

ClinVar aggregate classification (germline): Conflicting classifications of pathogenicity. Review status: criteria provided, conflicting classifications (1 of 4 stars). 3 submissions from 3 submitters: Uncertain significance (1); Likely benign (1). 1 of the submissions does not count toward it. Last evaluated 2024-06-18.

Conditions:
Maturity-onset diabetes of the young type 8 (MODY8). Also called: DIABETES-PANCREATIC EXOCRINE DYSFUNCTION SYNDROME; DIABETES AND PANCREATIC EXOCRINE DYSFUNCTION. Identifiers: Orphanet 552, MedGen C1853297, MONDO:0012348, OMIM 609812.

Allele frequency attached by ClinVar (database versions not stated): TOPMed 0.00001; gnomAD exomes 0.00002; ExAC 0.00003; gnomAD 0.00003; ESP Exome Variant Server 0.00008.
gnomAD v4.1: 28 of 1,613,822 alleles (0.0017%); highest among the groups gnomAD compares: South Asian, 0.016%; no homozygotes.

Submissions (3):

Fulgent Genetics
Classification: Uncertain significance for Maturity-onset diabetes of the young type 8. Last evaluated: 2024-06-18. Review status: criteria provided, single submitter. Criteria: ACMG Guidelines, 2015. Collection method: clinical testing. Allele origin: germline.

MVZ Dr. Eberhard & Partner Dortmund
Classification: Likely benign. Last evaluated: 2022-01-27. Review status: criteria provided, single submitter. Criteria: ACMG Guidelines, 2015. Collection method: clinical testing. Allele origin: unknown. Observed: 1 heterozygote.
Comment: This sequence change from G to A causes an amino acid change from Glycine to Serine at position 137. This variant is absent from mutation databases but multiple computational analysis suggest little to no impact on the gene product. Furthermore, this variant is present in controls like Exome Sequencing Project, 1000 Genomes Project and the Genome Aggregation Database with the overall allele frequency of 0,0025 % (7 of 280868 alleles in gnomAD) and even 0,016 % (5 of 30602 alleles in gnomAD) for populations from South Asia. This frequency is higher than the MAF (0.0033 %) for MODY. This variant is considered to be likely benign.

Genetic Services Laboratory, University of Chicago
Classification: Uncertain significance. Last evaluated: 2022-07-08. Review status: no assertion criteria provided. Collection method: clinical testing. Allele origin: germline. Affected: no. Not counted in ClinVar's aggregate classification.
Comment: DNA sequence analysis of the CEL gene demonstrated a sequence change, c.400G>A, in exon 4 that results in an amino acid change, p.Gly134Ser. This sequence change does not appear to have been previously described in individuals with CEL-related disorders and has been described in the gnomAD database with a frequency of 0.0025% in the overall population (dbSNP rs377284693). The p.Gly134Ser change affects a moderately conserved amino acid residue located in a domain of the CEL protein that is known to be functional. The p.Gly134Ser substitution appears to be benign using several in-silico pathogenicity prediction tools (SIFT, PolyPhen2, Align GVGD, REVEL). Due to insufficient evidences and the lack of functional studies, the clinical significance of the p.Gly134Ser change remains unknown at this time.

NM_001807.6(CEL):c.400G>A (p.Gly134Ser)

Gene: CEL (carboxyl ester lipase; plus strand). Cytogenetic location: 9q34.13.
Variant type: single nucleotide variant.
Coding change: c.400G>A on transcript NM_001807.6 (MANE Select); coding-DNA position 400, G replaced by A.
Protein change: p.Gly134Ser; replaces glycine 134 with serine.
Molecular consequence: missense variant.
Genome position (GRCh38, 1-based): chr9:133,065,099, G>A. VCF-style: chr9-133065099-G-A. GRCh37 (hg19) VCF-style: chr9-135940486-G-A.
Other names: c.400G>A (NM_001807.5); short protein forms G134S.
Identifiers: ClinVar variation 1676816 (VCV001676816.5), dbSNP rs377284693, ClinGen allele CA5302988.